The following is an entry in ClinVar:

ClinVar aggregate classification (germline): Pathogenic/Likely pathogenic. Review status: criteria provided, multiple submitters, no conflicts (2 of 4 stars). 4 submissions from 4 submitters: Pathogenic (2); Likely pathogenic (2). Last evaluated 2025-04-28.

Conditions:
CENPJ-related disorder. Also called: CENPJ-related condition; CENPJ-related disorders.
Microcephaly 6, primary, autosomal recessive. Identifiers: Orphanet 2512, MedGen C1842109, MONDO:0012029, OMIM 608393.
Seckel syndrome 4 (SCKL4). Identifiers: Orphanet 808, MedGen C3888212, MONDO:0013358, OMIM 613676.

Allele frequency attached by ClinVar (database versions not stated): ExAC 0.00001; gnomAD exomes 0.00001 and 0.00003; gnomAD 0.00003; TOPMed 0.00004.
gnomAD v4.1: 41 of 1,613,942 alleles (0.0025%); highest among the groups gnomAD compares: Non-Finnish European, 0.0033%; no homozygotes.

Submissions (4):

Labcorp Genetics (formerly Invitae), Labcorp
Classification: Pathogenic. Last evaluated: 2025-04-28. Review status: criteria provided, single submitter. Criteria: Invitae Variant Classification Sherloc (09022015). Collection method: clinical testing. Allele origin: germline.
Comment: This sequence change creates a premature translational stop signal (p.Gln14*) in the CENPJ gene. It is expected to result in an absent or disrupted protein product. Loss-of-function variants in CENPJ are known to be pathogenic (PMID: 15793586, 16900296, 20522431). The frequency data for this variant in the population databases is considered unreliable, as metrics indicate poor data quality at this position in the gnomAD database. This variant has not been reported in the literature in individuals affected with CENPJ-related conditions. ClinVar contains an entry for this variant (Variation ID: 280927). For these reasons, this variant has been classified as Pathogenic.

Blueprint Genetics
Classification: Likely pathogenic for CENPJ-related disorders. Last evaluated: 2023-09-07. Review status: criteria provided, single submitter. Criteria: ACMG Guidelines, 2015. Collection method: clinical testing. Allele origin: germline. Affected: yes. Observed: 2 variant alleles.

GeneDx
Classification: Pathogenic. Last evaluated: 2022-07-12. Review status: criteria provided, single submitter. Criteria: GeneDx Variant Classification Process June 2021. Collection method: clinical testing. Allele origin: germline. Affected: yes.
Comment: Nonsense variant predicted to result in protein truncation or nonsense mediated decay in a gene for which loss-of-function is a known mechanism of disease; Not observed at a significant frequency in large population cohorts (gnomAD)

Fulgent Genetics
Classification: Likely pathogenic for Microcephaly 6, primary, autosomal recessive; Seckel syndrome 4. Last evaluated: 2022-03-02. Review status: criteria provided, single submitter. Criteria: ACMG Guidelines, 2015. Collection method: clinical testing. Allele origin: unknown.

Literature cited by the submitters: PubMed 15793586 (cited by Labcorp Genetics (formerly Invitae), Labcorp); PubMed 16900296 (cited by Labcorp Genetics (formerly Invitae), Labcorp); PubMed 20522431 (cited by Labcorp Genetics (formerly Invitae), Labcorp).

NM_018451.5(CPAP):c.40C>T (p.Gln14Ter)

Gene: CPAP (centrosome assembly and centriole elongation protein; minus strand). Cytogenetic location: 13q12.13.
Variant type: single nucleotide variant.
Coding change: c.40C>T on transcript NM_018451.5 (MANE Select); coding-DNA position 40, C replaced by T.
Protein change: p.Gln14Ter; replaces glutamine 14 with a stop codon.
Molecular consequence: nonsense. On other transcripts: non-coding transcript variant (2).
Genome position (GRCh38, 1-based): chr13:24,912,986, G>A on the plus strand (C>T on the coding strand, the complement: CPAP is on the minus strand). VCF-style: chr13-24912986-G-A. GRCh37 (hg19) VCF-style: chr13-25487124-G-A.
Other names: short protein forms Q14*.
Identifiers: ClinVar variation 280927 (VCV000280927.16), dbSNP rs201822162, ClinGen allele CA6920087.